The following is an entry in ClinVar:

NM_177972.3(TUB):c.254-4G>A

Genes: RIC3 (RIC3 acetylcholine receptor chaperone; minus strand), TUB (TUB bipartite transcription factor; plus strand). Cytogenetic location: 11p15.4.
Variant type: single nucleotide variant.
Coding change: c.254-4G>A on transcript NM_177972.3 (MANE Select); 4 bases into the intron before coding-DNA position 254, G replaced by A.
Molecular consequence: intron variant. On other transcripts: non-coding transcript variant (1).
Genome position (GRCh38, 1-based): chr11:8,094,042, G>A. VCF-style: chr11-8094042-G-A. GRCh37 (hg19) VCF-style: chr11-8115589-G-A.
Other names: c.419-4G>A (NM_003320.5).
Identifiers: ClinVar variation 3353561 (VCV003353561.1).

ClinVar aggregate classification (germline): Likely benign (0 of 4 stars; one submission).

Conditions:
TUB-related disorder. Also called: TUB-related condition.

gnomAD v4.1: 1 of 1,614,168 alleles (0.000062%); highest among the groups gnomAD compares: Non-Finnish European, 0.000085%; no homozygotes.

Submission:

PreventionGenetics, part of Exact Sciences
Classification: Likely benign for TUB-related condition. Last evaluated: 2022-04-27. Review status: no assertion criteria provided. Collection method: clinical testing. Allele origin: germline.
Comment: This variant is classified as likely benign based on ACMG/AMP sequence variant interpretation guidelines (Richards et al. 2015 PMID: 25741868, with internal and published modifications).